The following is an entry in ClinVar:

NM_001351132.2(PEX5):c.38G>T (p.Gly13Val)

Gene: PEX5 (peroxisomal biogenesis factor 5; plus strand). Cytogenetic location: 12p13.31.
Variant type: single nucleotide variant.
Coding change: c.38G>T on transcript NM_001351132.2 (MANE Select); coding-DNA position 38, G replaced by T.
Protein change: p.Gly13Val; replaces glycine 13 with valine.
Molecular consequence: missense variant.
Genome position (GRCh38, 1-based): chr12:7,190,415, G>T. VCF-style: chr12-7190415-G-T. GRCh37 (hg19) VCF-style: chr12-7343011-G-T.
Other names: c.38G>T, p.Gly13Val (NM_000319.5, NM_001131023.2, NM_001131024.2 and 22 more transcripts); short protein forms G13V.
Identifiers: ClinVar variation 1369974 (VCV001369974.5), dbSNP rs1940802625, ClinGen allele CA383707190.

ClinVar aggregate classification (germline): Uncertain significance (1 of 4 stars; one submission).

Conditions:
Peroxisome biogenesis disorder 2B (PBD2B). Identifiers: Orphanet 44, MedGen C3550234, MONDO:0008736, OMIM 202370.

Allele frequency attached by ClinVar (database versions not stated): TOPMed below 0.00001; gnomAD 0.00001.
gnomAD v4.1: 1 of 1,614,100 alleles (0.000062%); highest among the groups gnomAD compares: East Asian, 0.0022%; no homozygotes.

Submission:

Labcorp Genetics (formerly Invitae), Labcorp
Classification: Uncertain significance for Peroxisome biogenesis disorder 2B. Last evaluated: 2022-07-12. Review status: criteria provided, single submitter. Criteria: Invitae Variant Classification Sherloc (09022015). Collection method: clinical testing. Allele origin: germline.
Comment: This sequence change replaces glycine, which is neutral and non-polar, with valine, which is neutral and non-polar, at codon 13 of the PEX5 protein (p.Gly13Val). This variant is not present in population databases (gnomAD no frequency). This variant has not been reported in the literature in individuals affected with PEX5-related conditions. ClinVar contains an entry for this variant (Variation ID: 1369974). Algorithms developed to predict the effect of missense changes on protein structure and function are either unavailable or do not agree on the potential impact of this missense change (SIFT: "Deleterious"; PolyPhen-2: "Probably Damaging"; Align-GVGD: "Class C0"). In summary, the available evidence is currently insufficient to determine the role of this variant in disease. Therefore, it has been classified as a Variant of Uncertain Significance.